The following is an entry in ClinVar:

NM_014727.3(KMT2B):c.7000G>C (p.Val2334Leu)

Gene: KMT2B (lysine methyltransferase 2B; plus strand). Cytogenetic location: 19q13.12.
Variant type: single nucleotide variant.
Coding change: c.7000G>C on transcript NM_014727.3 (MANE Select); coding-DNA position 7000, G replaced by C.
Protein change: p.Val2334Leu; replaces valine 2334 with leucine.
Molecular consequence: missense variant.
Genome position (GRCh38, 1-based): chr19:35,733,637, G>C. VCF-style: chr19-35733637-G-C. GRCh37 (hg19) VCF-style: chr19-36224538-G-C.
Other names: short protein forms V2334L.
Identifiers: ClinVar variation 2497923 (VCV002497923.1), dbSNP rs2513357305, ClinGen allele CA405431111.

ClinVar aggregate classification (germline): Uncertain significance (1 of 4 stars; one submission).

Submission:

GeneDx
Classification: Uncertain significance. Last evaluated: 2022-10-09. Review status: criteria provided, single submitter. Criteria: GeneDx Variant Classification Process June 2021. Collection method: clinical testing. Allele origin: germline. Affected: yes.
Comment: Not observed at significant frequency in large population cohorts (gnomAD); In silico analysis supports that this missense variant does not alter protein structure/function; Has not been previously published as pathogenic or benign to our knowledge